The following is an entry in ClinVar:

ClinVar aggregate classification (germline): Uncertain significance. Review status: criteria provided, multiple submitters, no conflicts (2 of 4 stars). 6 submissions from 6 submitters: Uncertain significance (5). 1 of the submissions does not count toward it. Last evaluated 2026-02-01.

Conditions:
Inborn genetic diseases. Identifiers: MedGen C0950123, MeSH D030342.
SAMD9-related disorder. Also called: SAMD9-related condition.
Monosomy 7 myelodysplasia and leukemia syndrome 2. Identifiers: MedGen C5436668, MONDO:0030801, OMIM 619041.

Allele frequency attached by ClinVar (database versions not stated): gnomAD exomes 0.00002; ExAC 0.00003; TOPMed 0.00017; gnomAD 0.00019 and 0.00020.
gnomAD v4.1: 37 of 1,590,662 alleles (0.0023%); highest among the groups gnomAD compares: African/African-American, 0.049%; no homozygotes.

Submissions (6):

Labcorp Genetics (formerly Invitae), Labcorp
Classification: Uncertain significance. Last evaluated: 2026-02-01. Review status: criteria provided, single submitter. Criteria: Invitae Variant Classification Sherloc (09022015). Collection method: clinical testing. Allele origin: germline.
Comment: This sequence change replaces leucine, which is neutral and non-polar, with isoleucine, which is neutral and non-polar, at codon 5 of the SAMD9 protein (p.Leu5Ile). This variant is present in population databases (rs781032261, gnomAD 0.05%). This variant has not been reported in the literature in individuals affected with SAMD9-related conditions. ClinVar contains an entry for this variant (Variation ID: 1366621). Invitae Evidence Modeling of protein sequence and biophysical properties (such as structural, functional, and spatial information, amino acid conservation, physicochemical variation, residue mobility, and thermodynamic stability) indicates that this missense variant is not expected to disrupt SAMD9 protein function with a negative predictive value of 95%. In summary, the available evidence is currently insufficient to determine the role of this variant in disease. Therefore, it has been classified as a Variant of Uncertain Significance.

Ambry Genetics
Classification: Uncertain significance for Inborn genetic diseases. Last evaluated: 2024-10-04. Review status: criteria provided, single submitter. Criteria: Ambry Variant Classification Scheme 2023. Collection method: clinical testing. Allele origin: germline.
Comment: The p.L5I variant (also known as c.13C>A), located in coding exon 1 of the SAMD9 gene, results from a C to A substitution at nucleotide position 13. The leucine at codon 5 is replaced by isoleucine, an amino acid with highly similar properties. This amino acid position is conserved. In addition, this alteration is predicted to be tolerated by in silico analysis. Based on the available evidence, the clinical significance of this variant remains unclear.

GeneDx
Classification: Uncertain significance. Last evaluated: 2024-08-06. Review status: criteria provided, single submitter. Criteria: GeneDx Variant Classification Process June 2021. Collection method: clinical testing. Allele origin: germline.
Comment: In silico analysis indicates that this missense variant does not alter protein structure/function; Has not been previously published as pathogenic or benign to our knowledge

St. Jude Molecular Pathology, St. Jude Children's Research Hospital
Classification: Uncertain significance for Monosomy 7 myelodysplasia and leukemia syndrome 2. Last evaluated: 2024-06-27. Review status: criteria provided, single submitter. Criteria: St. Jude Assertion Criteria 2020. Collection method: clinical testing. Allele origin: germline.
Comment: he SAMD9 c.13C>A (p.Leu5Ile) missense change has a maximum subpopulation frequency of 0.05% in gnomAD v2.1.1. The in silico tool REVEL predicts a benign effect on protein function, however in silico predictions have not been found to correlate with syndromic risk for SAMD9 variants and are thus not considered supporting evidence of a pathogenic or benign effect (PMID: 34621053). To our knowledge, this variant has not been reported in individuals with SAMD9-associated conditions. In summary, the evidence currently available is insufficient to determine the clinical significance of this variant. It has therefore been classified as of uncertain significance.

Breakthrough Genomics
Classification: Uncertain significance. Review status: criteria provided, single submitter. Criteria: ACMG Guidelines, 2015. Collection method: not provided. Allele origin: germline. Inheritance: Autosomal recessive inheritance. Affected: yes.

PreventionGenetics, part of Exact Sciences
Classification: Uncertain significance for SAMD9-related condition. Last evaluated: 2024-03-04. Review status: no assertion criteria provided. Collection method: clinical testing. Allele origin: germline. Not counted in ClinVar's aggregate classification.
Comment: The SAMD9 c.13C>A variant is predicted to result in the amino acid substitution p.Leu5Ile. To our knowledge, this variant has not been reported in the literature. This variant is reported in 0.045% of alleles in individuals of African descent in gnomAD. This variant has been classified as uncertain in the ClinVar database. At this time, the clinical significance of this variant is uncertain due to the absence of conclusive functional and genetic evidence.

NM_017654.4(SAMD9):c.13C>A (p.Leu5Ile)

Gene: SAMD9 (sterile alpha motif domain containing 9; minus strand). Cytogenetic location: 7q21.2.
Variant type: single nucleotide variant.
Coding change: c.13C>A on transcript NM_017654.4 (MANE Select); coding-DNA position 13, C replaced by A.
Protein change: p.Leu5Ile; replaces leucine 5 with isoleucine.
Molecular consequence: missense variant.
Genome position (GRCh38, 1-based): chr7:93,106,085, G>T on the plus strand (C>A on the coding strand, the complement: SAMD9 is on the minus strand). VCF-style: chr7-93106085-G-T. GRCh37 (hg19) VCF-style: chr7-92735398-G-T.
Other names: c.13C>A, p.Leu5Ile (NM_001193307.2); c.13C>A (NM_017654.3); short protein forms L5I.
Identifiers: ClinVar variation 1366621 (VCV001366621.12), dbSNP rs781032261, ClinGen allele CA4343237.